The following is an entry in ClinVar:

NM_152564.5(VPS13B):c.5959C>T (p.Gln1987Ter)

Gene: VPS13B (vacuolar protein sorting 13 homolog B; plus strand). Cytogenetic location: 8q22.2.
Variant type: single nucleotide variant.
Coding change: c.5959C>T on transcript NM_152564.5 (MANE Select); coding-DNA position 5959, C replaced by T.
Protein change: p.Gln1987Ter; replaces glutamine 1987 with a stop codon.
Molecular consequence: nonsense.
Genome position (GRCh38, 1-based): chr8:99,661,404, C>T. VCF-style: chr8-99661404-C-T. GRCh37 (hg19) VCF-style: chr8-100673632-C-T.
Other names: c.6034C>T, p.Gln2012Ter (NM_017890.5); short protein forms Q2012*, Q1987*.
Identifiers: ClinVar variation 2840496 (VCV002840496.5), dbSNP rs2491289979, ClinGen allele CA371868871.
Genomic context (GRCh38, chr8:99,661,404, plus strand): 5'-GTCACTTTAGATCCTGGGAAGACTCTGCCTGAAGCCCTTGATTATTGCACTGTTTGGCTA[C>T]AGACAGTGCCTGGAGAAATAGACAGCAAAAGTGGTATTCCACCTTCCTTTATAACACTAC-3'

ClinVar aggregate classification (germline): Pathogenic/Likely pathogenic. Review status: criteria provided, multiple submitters, no conflicts (2 of 4 stars). 2 submissions from 2 submitters: Pathogenic (1); Likely pathogenic (1). Last evaluated 2024-03-17.

Conditions:
Cohen syndrome (COH1). Also called: Cutis verticis gyrata, retinitis pigmentosa, and sensorineural deafness; PEPPER SYNDROME. Identifiers: Orphanet 193, MedGen C0265223, MONDO:0008999, OMIM 216550.

Allele frequency attached by ClinVar (database versions not stated): gnomAD exomes below 0.00001.
gnomAD v4.1: 2 of 1,613,802 alleles (0.00012%); highest among the groups gnomAD compares: Non-Finnish European, 0.00017%; no homozygotes.

Submissions (2):

Genomic Medicine Center of Excellence, King Faisal Specialist Hospital and Research Centre
Classification: Likely pathogenic for Cohen syndrome. Last evaluated: 2024-03-17. Review status: criteria provided, single submitter. Criteria: ACMG Guidelines, 2015. Collection method: research. Allele origin: germline.

Labcorp Genetics (formerly Invitae), Labcorp
Classification: Pathogenic for Cohen syndrome. Last evaluated: 2023-02-24. Review status: criteria provided, single submitter. Criteria: Invitae Variant Classification Sherloc (09022015). Collection method: clinical testing. Allele origin: germline.
Comment: This sequence change creates a premature translational stop signal (p.Gln2012*) in the VPS13B gene. It is expected to result in an absent or disrupted protein product. Loss-of-function variants in VPS13B are known to be pathogenic (PMID: 15141358, 16648375, 20461111). For these reasons, this variant has been classified as Pathogenic. This variant has not been reported in the literature in individuals affected with VPS13B-related conditions. This variant is not present in population databases (gnomAD no frequency).

Literature cited by the submitters: PubMed 15141358 (cited by Labcorp Genetics (formerly Invitae), Labcorp); PubMed 16648375 (cited by Labcorp Genetics (formerly Invitae), Labcorp); PubMed 20461111 (cited by Labcorp Genetics (formerly Invitae), Labcorp).